The following is an entry in ClinVar:

ClinVar aggregate classification (germline): Uncertain significance. Review status: criteria provided, multiple submitters, no conflicts (2 of 4 stars). 2 submissions from 2 submitters: Uncertain significance (2). Last evaluated 2025-12-18.

Conditions:
SLITRK6-related disorder. Also called: SLITRK6-related condition.
Inborn genetic diseases. Identifiers: MedGen C0950123, MeSH D030342.

Allele frequency attached by ClinVar (database versions not stated): ExAC 0.00001; gnomAD 0.00001; TOPMed 0.00001.
gnomAD v4.1: 15 of 1,613,080 alleles (0.00093%); highest among the groups gnomAD compares: East Asian, 0.011%; no homozygotes.

Submissions (2):

PreventionGenetics, part of Exact Sciences
Classification: Uncertain significance for SLITRK6-related condition. Last evaluated: 2025-12-18. Review status: criteria provided, single submitter. Criteria: ACMG Guidelines, 2015. Collection method: clinical testing. Allele origin: germline.
Comment: The SLITRK6 c.1796G>A variant is predicted to result in the amino acid substitution p.Arg599Gln. To our knowledge, this variant has not been reported in the literature. This variant is reported in 0.0065% of alleles in individuals of South Asian descent in gnomAD. At this time, the clinical significance of this variant is uncertain due to the absence of conclusive functional and genetic evidence.

Ambry Genetics
Classification: Uncertain significance for Inborn genetic diseases. Last evaluated: 2021-12-20. Review status: criteria provided, single submitter. Criteria: Ambry Variant Classification Scheme 2023. Collection method: clinical testing. Allele origin: germline.

NM_032229.3(SLITRK6):c.1796G>A (p.Arg599Gln)

Gene: SLITRK6 (SLIT and NTRK like family member 6; minus strand). Cytogenetic location: 13q31.1.
Variant type: single nucleotide variant.
Coding change: c.1796G>A on transcript NM_032229.3 (MANE Select); coding-DNA position 1796, G replaced by A.
Protein change: p.Arg599Gln; replaces arginine 599 with glutamine.
Molecular consequence: missense variant.
Genome position (GRCh38, 1-based): chr13:85,794,713, C>T on the plus strand (G>A on the coding strand, the complement: SLITRK6 is on the minus strand). VCF-style: chr13-85794713-C-T. GRCh37 (hg19) VCF-style: chr13-86368848-C-T.
Other names: short protein forms R599Q.
Identifiers: ClinVar variation 2268211 (VCV002268211.3), dbSNP rs267603864, ClinGen allele CA7015023.